The following is an entry in ClinVar:

NM_000093.5(COL5A1):c.1332+1G>T

Gene: COL5A1 (collagen type V alpha 1 chain; plus strand). Cytogenetic location: 9q34.3.
Variant type: single nucleotide variant.
Coding change: c.1332+1G>T on transcript NM_000093.5 (MANE Select); the canonical splice donor site of the intron after coding-DNA position 1332, G replaced by T.
Molecular consequence: splice donor variant.
Genome position (GRCh38, 1-based): chr9:134,731,664, G>T. VCF-style: chr9-134731664-G-T. GRCh37 (hg19) VCF-style: chr9-137623510-G-T.
Other names: c.1332+1G>T (NM_001278074.1).
Identifiers: ClinVar variation 423890 (VCV000423890.4), dbSNP rs1064796684, ClinGen allele CA16618786.

ClinVar aggregate classification (germline): Pathogenic/Likely pathogenic. Review status: criteria provided, multiple submitters, no conflicts (2 of 4 stars). 2 submissions from 2 submitters: Pathogenic (1); Likely pathogenic (1). Last evaluated 2024-12-12.

Conditions:
Ehlers-Danlos syndrome, classic type, 1 (EDSCL1). Also called: EHLERS-DANLOS SYNDROME, GRAVIS TYPE; EHLERS-DANLOS SYNDROME, SEVERE CLASSIC TYPE; EDS I; Ehlers-Danlos Syndrome, Classic Type, COL5A1-Related; Ehlers-Danlos syndrome, type 1. Identifiers: MedGen C0268335, MONDO:0019567, OMIM 130000.

Submissions (2):

Labcorp Genetics (formerly Invitae), Labcorp
Classification: Likely pathogenic for Ehlers-Danlos syndrome, classic type, 1. Last evaluated: 2024-12-12. Review status: criteria provided, single submitter. Criteria: Invitae Variant Classification Sherloc (09022015). Collection method: clinical testing. Allele origin: germline.
Comment: This sequence change affects a donor splice site in intron 8 of the COL5A1 gene. It is expected to disrupt RNA splicing. Variants that disrupt the donor or acceptor splice site typically lead to a loss of protein function (PMID: 16199547), and loss-of-function variants in COL5A1 are known to be pathogenic (PMID: 23587214). This variant is not present in population databases (gnomAD no frequency). Disruption of this splice site has been observed in individual(s) with clinical features of COL5A1-related conditions (PMID: 37079061). ClinVar contains an entry for this variant (Variation ID: 423890). Algorithms developed to predict the effect of sequence changes on RNA splicing suggest that this variant may disrupt the consensus splice site. In summary, the currently available evidence indicates that the variant is pathogenic, but additional data are needed to prove that conclusively. Therefore, this variant has been classified as Likely Pathogenic.

GeneDx
Classification: Pathogenic. Last evaluated: 2017-03-07. Review status: criteria provided, single submitter. Criteria: GeneDx Variant Classification (06012015). Collection method: clinical testing. Allele origin: germline. Affected: yes.
Comment: Although the c.1332+1 G>T pathogenic variant in the COL5A1 gene has not been reported as pathogenic or benign to our knowledge, it destroys the canonical splice donor site in intron eight and is predicted to cause abnormal gene splicing. This variant is predicted to lead to either an abnormal message that is subject to nonsense-mediated mRNA decay, or to an abnormal protein product if the message is used for protein translation. Many other splice site variants in the COL5A1 gene have been reported in HGMD in association with EDS, classic type (Stenson et al., 2014). Furthermore, the c.1332+1 G>T variant is not observed in large population cohorts (Lek et al., 2016; 1000 Genomes Consortium et al., 2015; Exome Variant Server). In summary, c.1332+1 G>T in the COL5A1 gene is interpreted as a pathogenic variant.

Literature cited by the submitters: PubMed 16199547 (cited by Labcorp Genetics (formerly Invitae), Labcorp); PubMed 23587214 (cited by Labcorp Genetics (formerly Invitae), Labcorp); PubMed 37079061 (cited by Labcorp Genetics (formerly Invitae), Labcorp).